The following is an entry in ClinVar:

ClinVar aggregate classification (germline): Uncertain significance (0 of 4 stars; one submission).

Conditions:
Polycystic kidney disease. Also called: Polycystic kidney dysplasia; Kidney, Polycystic. Identifiers: MedGen C0022680, MeSH D007690, MONDO:0020642, HP:0000113.

Allele frequency attached by ClinVar (database versions not stated): ESP Exome Variant Server 0.00009; TOPMed 0.00015; ExAC 0.00017.
gnomAD v4.1: 358 of 1,561,070 alleles (0.023%); highest among the groups gnomAD compares: Non-Finnish European, 0.029%; no homozygotes.

Submission:

Department of Pathology and Laboratory Medicine, Sinai Health System
Classification: Uncertain significance for Polycystic Kidney disease. Review status: no assertion criteria provided. Collection method: clinical testing. Allele origin: unknown. Affected: yes. Study: The Canadian Open Genetics Repository (COGR).
Comment: The PKD1 c.11538-10C>A variant was not identified in the literature nor was it identified in the ClinVar, LOVD 3.0, or PKD1-LOVD databases. The variant was identified in dbSNP (ID: rs377419559) as "With Likely benign allele" however this is in reference to the ClinVar submission of the PKD1, c.11538-10C>T variant which is classified as likely benign by Prevention Genetic. The c.11538-10C>A variant was also identified in the ADPKD Mutation Database (1 entry classified as likely pathogenic by Athena Diagnostics). The variant was identified in control databases in 22 of 199024 chromosomes at a frequency of 0.0001 increasing the likelihood this could be a low frequency benign variant (Genome Aggregation Database Feb 27, 2017). The variant was observed in the following populations: African in 1 of 18182 chromosomes (freq: 0.00006), Latino in 1 of 28462 chromosomes (freq: 0.00004), European Non-Finnish in 20 of 88366 chromosomes (freq: 0.0002), while the variant was not observed in the Other, Ashkenazi Jewish, East Asian, Finnish, and South Asian populations. The c.11538-10C>A variant is located in the 3' splice region but does not affect the invariant -1 and -2 positions. However, positions -3 and -5 to -12 are part of the splicing consensus sequence and variants involving these positions sometimes affect splicing. In addition, 2 of 4 in silico or computational prediction software programs (SpliceSiteFinder, MaxEntScan, NNSPLICE, GeneSplicer) predict a greater than 10% difference in splicing. In summary, based on the above information the clinical significance of this variant cannot be determined with certainty at this time. This variant is classified as a variant of uncertain significance.

NM_001009944.3(PKD1):c.11538-10C>A

Genes: PKD1 (polycystin 1, transient receptor potential channel interacting; minus strand), PKD1-AS1 (PKD1 antisense RNA 1; plus strand). Cytogenetic location: 16p13.3.
Variant type: single nucleotide variant.
Coding change: c.11538-10C>A on transcript NM_001009944.3 (MANE Select); 10 bases into the intron before coding-DNA position 11538, C replaced by A.
Molecular consequence: intron variant. On other transcripts: non-coding transcript variant (1).
Genome position (GRCh38, 1-based): chr16:2,091,607, G>T on the plus strand (C>A on the coding strand, the complement: PKD1 is on the minus strand). VCF-style: chr16-2091607-G-T. GRCh37 (hg19) VCF-style: chr16-2141608-G-T.
Other names: c.11535-10C>A (NM_000296.4).
Identifiers: ClinVar variation 997232 (VCV000997232.1), dbSNP rs377419559, ClinGen allele CA7829047.
Genomic context (GRCh38, chr16:2,091,607, plus strand): 5'-AGCCCCACGGCCGGGCTGTAGCGCGTGAGCTCCAGGAACACAGCGCGGCTCCTGCGCAGA[G>T]GGTGCGGGTCAGTAGGAGCGGGTGGCAGGGCGGGAGCTGCGGGGACCGCGCAGTGCAGGC-3'